The following is an entry in ClinVar:

NM_007294.4(BRCA1):c.2767_2770del (p.Val923fs)

Gene: BRCA1 (BRCA1 DNA repair associated; minus strand). Cytogenetic location: 17q21.31.
Variant type: Deletion.
Coding change: c.2767_2770del on transcript NM_007294.4 (MANE Select); coding-DNA positions 2767 to 2770, 4 bases deleted (GTTA; older notation c.2767_2770delGTTA).
Protein change: p.Val923fs; shifts the reading frame from valine 923.
Molecular consequence: frameshift variant. On other transcripts: intron variant (137).
Genome position (GRCh38, 1-based): chr17:43,092,761-43,092,764, TAAC deleted on the plus strand (GTTA on the coding strand, the reverse complement: BRCA1 is on the minus strand); deleting any 4 consecutive bases within chr17:43,092,761-43,092,765 gives the same sequence; the c. name uses the placement nearest the transcript's 3' end. VCF-style (leftmost placement, unchanged base first): chr17-43092760-TTAAC-T. GRCh37 (hg19) VCF-style: chr17-41244777-TTAAC-T.
Other names: 2886del4; c.2767_2770delGTTA (NM_007294.3); c.2764_2767del, p.Val922fs (NM_001407638.1, NM_001407644.1, NM_001407645.1 and 22 more transcripts); c.2767_2770del, p.Val923fs (NM_001407639.1, NM_001407640.1, NM_001407641.1 and 30 more transcripts); c.2758_2761del, p.Val920fs (NM_001407646.1, NM_001407647.1); c.2644_2647del, p.Val882fs (NM_001407648.1, NM_001407664.1, NM_001407665.1 and 19 more transcripts); c.2641_2644del, p.Val881fs (NM_001407649.1, NM_001407670.1, NM_001407671.1 and 11 more transcripts); c.2689_2692del, p.Val897fs (NM_001407653.1, NM_001407654.1, NM_001407655.1 and 4 more transcripts); and 43 more; short protein forms V876fs, V923fs, V811fs, V812fs, V875fs, V896fs, V897fs, V755fs.
Identifiers: ClinVar variation 54678 (VCV000054678.35), dbSNP rs80357661, ClinGen allele CA001824.

ClinVar aggregate classification (germline): Pathogenic. Review status: reviewed by expert panel (3 of 4 stars). 9 submissions from 9 submitters: Pathogenic (1). 8 of the submissions do not count toward it. Last evaluated 2016-09-08.

Conditions:
Gastric cancer. Also called: Stomach cancer; Malignant tumor of stomach. Identifiers: MedGen C0024623, MeSH D013274, MONDO:0001056, OMIM 613659, HP:0012126.
Hereditary cancer-predisposing syndrome. Also called: Tumor predisposition; Neoplastic Syndromes, Hereditary; Hereditary Cancer Syndrome; Hereditary neoplastic syndrome. Identifiers: Orphanet 140162, MedGen C0027672, MeSH D009386, MONDO:0015356.
Hereditary breast ovarian cancer syndrome. Also called: Hereditary breast and ovarian cancer syndrome (HBOC); Hereditary breast and ovarian cancer syndrome; Hereditary breast and ovarian cancer; Hereditary breast and/or ovarian cancer syndrome; Breast and ovarian cancer; BRCA1- and BRCA2-Associated Hereditary Breast and Ovarian Cancer. Identifiers: Orphanet 145, MedGen C0677776, MeSH D061325, MONDO:0003582. Disease mechanism: loss of function.
Breast-ovarian cancer, familial, susceptibility to, 1 (BROVCA1). Also called: OVARIAN CANCER, SUSCEPTIBILITY TO; BRCA1 Hereditary Breast and Ovarian Cancer. Identifiers: Orphanet 145, MedGen C2676676, MONDO:0011450, OMIM 604370. Disease mechanism: loss of function.

Submissions (9):

Evidence-based Network for the Interpretation of Germline Mutant Alleles (ENIGMA)
Classification: Pathogenic for Breast-ovarian cancer, familial, susceptibility to, 1. Last evaluated: 2016-09-08. Review status: reviewed by expert panel. Criteria: ENIGMA BRCA1/2 Classification Criteria (2015). Collection method: curation. Allele origin: germline.
Comment: Variant allele predicted to encode a truncated non-functional protein.

Labcorp Genetics (formerly Invitae), Labcorp
Classification: Pathogenic for Hereditary breast ovarian cancer syndrome. Last evaluated: 2025-07-30. Review status: criteria provided, single submitter. Criteria: Invitae Variant Classification Sherloc (09022015). Collection method: clinical testing. Allele origin: germline. Not counted in ClinVar's aggregate classification.
Comment: This sequence change creates a premature translational stop signal (p.Val923Ilefs*76) in the BRCA1 gene. It is expected to result in an absent or disrupted protein product. Loss-of-function variants in BRCA1 are known to be pathogenic (PMID: 20104584). This variant is present in population databases (rs80357661, gnomAD 0.0009%). This premature translational stop signal has been observed in individual(s) with prostate cancer or endometrial cancer (PMID: 26681312, 27433846). ClinVar contains an entry for this variant (Variation ID: 54678). For these reasons, this variant has been classified as Pathogenic.

Ambry Genetics
Classification: Pathogenic for Hereditary cancer-predisposing syndrome. Last evaluated: 2025-06-27. Review status: criteria provided, single submitter. Criteria: Ambry Variant Classification Scheme 2023. Collection method: clinical testing. Allele origin: germline. Not counted in ClinVar's aggregate classification.
Comment: The c.2767_2770delGTTA pathogenic mutation, located in coding exon 9 of the BRCA1 gene, results from a deletion of 4 nucleotides at nucleotide positions 2767 to 2770, causing a translational frameshift with a predicted alternate stop codon (p.V923Ifs*76). This alteration was identified in 1/692 men with metastatic prostate cancer who were unselected for family history of cancer or age at diagnosis (Pritchard CC et al. N. Engl. J. Med., 2016 Aug;375:443-53) and in 1/10030 consecutive patients referred for evaluation by an NGS hereditary cancer panel (Susswein LR et al. Genet. Med., 2016 08;18:823-32). This alteration is expected to result in loss of function by premature protein truncation or nonsense-mediated mRNA decay. As such, this alteration is interpreted as a disease-causing mutation.

Women's Health and Genetics/Laboratory Corporation of America, LabCorp
Classification: Pathogenic for Hereditary breast ovarian cancer syndrome. Last evaluated: 2025-02-10. Review status: criteria provided, single submitter. Criteria: LabCorp Variant Classification Summary - May 2015. Collection method: clinical testing. Allele origin: germline. Not counted in ClinVar's aggregate classification.
Comment: Variant summary: BRCA1 c.2767_2770delGTTA (p.Val923IlefsX76) results in a premature termination codon, predicted to cause absence of the protein due to nonsense mediated decay, which is a commonly known mechanism for disease. The variant allele was found at a frequency of 4e-06 in 251024 control chromosomes (gnomAD). c.2767_2770delGTTA has been reported in the literature in individuals affected with tumors that belong to the Hereditary Breast and Ovarian Cancer (HBOC) syndrome tumor spectrum (e.g. Pritchard 2016, Susswein 2015, and in the BIC database). The following publications have been ascertained in the context of this evaluation (PMID: 26681312, 27433846). ClinVar contains an entry for this variant (Variation ID: 54678). Based on the evidence outlined above, the variant was classified as pathogenic.

Quest Diagnostics Nichols Institute San Juan Capistrano
Classification: Pathogenic for Breast-ovarian cancer, familial, susceptibility to, 1. Last evaluated: 2015-12-23. Review status: criteria provided, single submitter. Criteria: Quest Diagnostics criteria. Collection method: clinical testing. Allele origin: germline. Inheritance: Autosomal dominant inheritance. Not counted in ClinVar's aggregate classification.

GeneDx
Classification: Pathogenic. Last evaluated: 2014-05-09. Review status: criteria provided, single submitter. Criteria: GeneDx Variant Classification (06012015). Collection method: clinical testing. Allele origin: germline. Affected: yes. Not counted in ClinVar's aggregate classification.
Comment: This deletion of 4 nucleotides is denoted BRCA1 c.2767_2770delGTTA at the cDNA level and p.Val923IlefsX76 (V923IfsX76) at the protein level. The normal sequence, with the bases that are deleted in brackets, is GACA[GTTA]ATAT. The deletion causes a frameshift, which changes a Valine to an Isoleucine at codon 923, and creates a premature stop codon at position 76 of the new reading frame. Although this variant has not, to our knowledge, been reported in the literature, it is predicted to cause loss of normal protein function through either protein truncation or nonsense-mediated mRNA decay. We consider This variant, also known as c.2886_2889delGTTA using alternate nomenclature, to be pathogenic.

Laboratory for Genotyping Development, RIKEN
Classification: Pathogenic for Gastric cancer. Last evaluated: 2021-07-01. Review status: no assertion criteria provided. Collection method: research. Allele origin: germline. Not counted in ClinVar's aggregate classification.

Sharing Clinical Reports Project (SCRP)
Classification: Pathogenic for Breast-ovarian cancer, familial 1. Last evaluated: 2012-03-14. Review status: no assertion criteria provided. Collection method: clinical testing. Allele origin: germline. Not counted in ClinVar's aggregate classification.

Breast Cancer Information Core (BIC) (BRCA1)
Classification: Pathogenic for Breast-ovarian cancer, familial 1. Last evaluated: 2002-06-20. Review status: no assertion criteria provided. Collection method: clinical testing. Allele origin: germline. Affected: yes. Observed: 1 variant allele. Not counted in ClinVar's aggregate classification.

Literature cited by the submitters: PubMed 20104584 (cited by Labcorp Genetics (formerly Invitae), Labcorp); PubMed 26681312 (cited by 3 submitters); PubMed 27433846 (cited by 3 submitters); PubMed 29922827 (cited by Ambry Genetics); PubMed 26295337 (cited by Quest Diagnostics Nichols Institute San Juan Capistrano); PubMed 36988593 (cited by Laboratory for Genotyping Development, RIKEN).